The following is an entry in ClinVar:

ClinVar aggregate classification (germline): Uncertain significance (1 of 4 stars; one submission).

Conditions:
Intellectual developmental disorder, autosomal dominant 1. Also called: MBD5 Haploinsufficiency; Intellectual disability, autosomal dominant 1. Identifiers: Orphanet 228402, MedGen C1969562, MONDO:0007974, OMIM 156200.

gnomAD v4.1: 1 of 1,613,812 alleles (0.000062%); highest among the groups gnomAD compares: African/African-American, 0.0013%; no homozygotes.

Submission:

Labcorp Genetics (formerly Invitae), Labcorp
Classification: Uncertain significance for Intellectual developmental disorder, autosomal dominant 1. Last evaluated: 2024-07-22. Review status: criteria provided, single submitter. Criteria: Invitae Variant Classification Sherloc (09022015). Collection method: clinical testing. Allele origin: germline.
Comment: This sequence change replaces alanine, which is neutral and non-polar, with glutamic acid, which is acidic and polar, at codon 589 of the MBD5 protein (p.Ala589Glu). This variant is not present in population databases (gnomAD no frequency). This variant has not been reported in the literature in individuals affected with MBD5-related conditions. Advanced modeling of protein sequence and biophysical properties (such as structural, functional, and spatial information, amino acid conservation, physicochemical variation, residue mobility, and thermodynamic stability) has been performed at Invitae for this missense variant, however the output from this modeling did not meet the statistical confidence thresholds required to predict the impact of this variant on MBD5 protein function. In summary, the available evidence is currently insufficient to determine the role of this variant in disease. Therefore, it has been classified as a Variant of Uncertain Significance.

NM_001378120.1(MBD5):c.1766C>A (p.Ala589Glu)

Gene: MBD5 (methyl-CpG binding domain protein 5; plus strand). Cytogenetic location: 2q23.1.
Variant type: single nucleotide variant.
Coding change: c.1766C>A on transcript NM_001378120.1 (MANE Select); coding-DNA position 1766, C replaced by A.
Protein change: p.Ala589Glu; replaces alanine 589 with glutamic acid.
Molecular consequence: missense variant.
Genome position (GRCh38, 1-based): chr2:148,469,709, C>A. VCF-style: chr2-148469709-C-A. GRCh37 (hg19) VCF-style: chr2-149227278-C-A.
Other names: c.1766C>A, p.Ala589Glu (NM_018328.5); short protein forms A589E.
Identifiers: ClinVar variation 3696005 (VCV003696005.2).
Genomic context (GRCh38, chr2:148,469,709, plus strand): 5'-ACAATGCTGCCTCCTTTCCAGCAAGTAGTTTACTCTCAGCAGCAGCCAAAGCACAGCTAG[C>A]AAATCAAAACAAACTTGCTGGTAACAACAGTAGCAGCAGTAGCAATTCTGGAGCTGTTGC-3'
Protein context (NP_001365049.1, residues 579-599): LLSAAAKAQL[Ala589Glu]NQNKLAGNNS